The following is an entry in ClinVar:

ClinVar aggregate classification (germline): Pathogenic. Review status: criteria provided, single submitter (1 of 4 stars). 2 submissions from 2 submitters: Pathogenic (1). 1 of the submissions does not count toward it. Last evaluated 2025-07-31.

Conditions:
Mitochondrial disease. Also called: Mitochondrial disorder; Mitochondrial disorders. Identifiers: Orphanet 68380, MedGen C0751651, MeSH D028361, MONDO:0044970.

Allele frequency attached by ClinVar (database versions not stated): gnomAD 0.00001; gnomAD exomes 0.00002.
gnomAD v4.1: 28 of 1,613,954 alleles (0.0017%); highest among the groups gnomAD compares: Non-Finnish European, 0.0024%; no homozygotes.

Submissions (2):

GeneDx
Classification: Pathogenic. Last evaluated: 2025-07-31. Review status: criteria provided, single submitter. Criteria: GeneDx Variant Classification Process June 2021. Collection method: clinical testing. Allele origin: germline. Affected: yes.
Comment: Nonsense variant predicted to result in protein truncation or nonsense mediated decay in a gene for which loss of function is a known mechanism of disease; Not observed at significant frequency in large population cohorts (gnomAD); This variant is associated with the following publications: (PMID: 31506229, 27350610, Bayrak2023[preprint], 27412952)

Mitochondrial Research Group, Newcastle University
Classification: Pathogenic for Mitochondrial disease. Last evaluated: 2015-12-22. Review status: no assertion criteria provided. Collection method: clinical testing. Allele origin: germline. Affected: yes. Not counted in ClinVar's aggregate classification.

Literature cited by the submitters: PubMed 27412952 (cited by Mitochondrial Research Group, Newcastle University).

NM_017909.4(RMND1):c.565C>T (p.Gln189Ter)

Gene: RMND1 (required for meiotic nuclear division 1 homolog; minus strand). Cytogenetic location: 6q25.1.
Variant type: single nucleotide variant.
Coding change: c.565C>T on transcript NM_017909.4 (MANE Select); coding-DNA position 565, C replaced by T.
Protein change: p.Gln189Ter; replaces glutamine 189 with a stop codon.
Molecular consequence: nonsense.
Genome position (GRCh38, 1-based): chr6:151,436,494, G>A on the plus strand (C>T on the coding strand, the complement: RMND1 is on the minus strand). VCF-style: chr6-151436494-G-A. GRCh37 (hg19) VCF-style: chr6-151757629-G-A.
Other names: c.565C>T (NM_017909.2); c.55C>T, p.Gln19Ter (NM_001271937.2); short protein forms Q189*, Q19*.
Identifiers: ClinVar variation 225257 (VCV000225257.2), dbSNP rs886037772, ClinGen allele CA10576015.